The following is an entry in ClinVar:

NM_021871.4(FGA):c.878del (p.Gly293fs)

Gene: FGA (fibrinogen alpha chain; minus strand). Cytogenetic location: 4q31.3.
Variant type: Deletion.
Coding change: c.878del on transcript NM_021871.4 (MANE Select); coding-DNA position 878, one base deleted (G; older notation c.878delG).
Protein change: p.Gly293fs; shifts the reading frame from glycine 293.
Molecular consequence: frameshift variant.
Genome position (GRCh38, 1-based): chr4:154,586,551, C deleted on the plus strand (G on the coding strand, the reverse complement: FGA is on the minus strand); the first of 2 consecutive C bases (chr4:154,586,551-154,586,552); deleting either gives the same sequence. VCF-style (leftmost placement, unchanged base first): chr4-154586550-TC-T. GRCh37 (hg19) VCF-style: chr4-155507702-TC-T.
Other names: c.878del, p.Gly293fs (NM_000508.5); short protein forms G293fs.
Identifiers: ClinVar variation 2633970 (VCV002633970.3), dbSNP rs2530822869, ClinGen allele CA2695198551.

ClinVar aggregate classification (germline): Likely pathogenic (0 of 4 stars; one submission).

Conditions:
FGA-related disorder. Also called: FGA-related condition; FGA-related disorders.

Submission:

PreventionGenetics, part of Exact Sciences
Classification: Likely pathogenic for FGA-related condition. Last evaluated: 2024-01-17. Review status: no assertion criteria provided. Collection method: clinical testing. Allele origin: germline.
Comment: The FGA c.878delG variant is predicted to result in a frameshift and premature protein termination (p.Gly293Glufs*128). To our knowledge, this variant has not been reported in the literature or in a large population database, indicating this variant is rare. Frameshift variants in FGA are expected to be pathogenic. This variant is interpreted as likely pathogenic.